The following is an entry in ClinVar:

ClinVar aggregate classification (germline): Uncertain significance. Review status: criteria provided, multiple submitters, no conflicts (2 of 4 stars). 2 submissions from 2 submitters: Uncertain significance (2). Last evaluated 2026-04-10.

Conditions:
Hereditary cancer-predisposing syndrome. Also called: Tumor predisposition; Hereditary neoplastic syndrome; Neoplastic Syndromes, Hereditary; Hereditary Cancer Syndrome. Identifiers: Orphanet 140162, MedGen C0027672, MeSH D009386, MONDO:0015356.
Cardiovascular phenotype. Identifiers: MedGen CN230736.
Neurofibromatosis, type 1 (NF1). Also called: Neurofibromatosis, type I; Peripheral type neurofibromatosis; VON RECKLINGHAUSEN DISEASE; NEUROFIBROMATOSIS, TYPE I, SOMATIC. Identifiers: Orphanet 636, MedGen C0027831, MONDO:0018975, OMIM 162200. Disease mechanism: loss of function.

Submissions (2):

Ambry Genetics
Classification: Uncertain significance for Cardiovascular phenotype; Hereditary cancer-predisposing syndrome. Last evaluated: 2026-04-10. Review status: criteria provided, single submitter. Criteria: Ambry Variant Classification Scheme 2023. Collection method: clinical testing. Allele origin: germline.
Comment: The c.2409G>A variant (also known as p.Q803Q), located in coding exon 20 of the NF1 gene, results from a G to A substitution at nucleotide position 2409. This nucleotide substitution does not change the at codon 803. However, this change occurs in the last base pair of coding exon 20, which makes it likely to have some effect on normal mRNA splicing. This nucleotide position is highly conserved in available vertebrate species. In silico splice site analysis predicts that this alteration will not have any significant effect on splicing. Based on the available evidence, the clinical significance of this variant remains unclear.

Labcorp Genetics (formerly Invitae), Labcorp
Classification: Uncertain significance for Neurofibromatosis, type 1. Last evaluated: 2023-12-27. Review status: criteria provided, single submitter. Criteria: Invitae Variant Classification Sherloc (09022015). Collection method: clinical testing. Allele origin: germline.
Comment: This sequence change affects codon 803 of the NF1 mRNA. It is a 'silent' change, meaning that it does not change the encoded amino acid sequence of the NF1 protein. This variant also falls at the last nucleotide of exon 20, which is part of the consensus splice site for this exon. This variant is not present in population databases (gnomAD no frequency). This variant has not been reported in the literature in individuals affected with NF1-related conditions. Variants that disrupt the consensus splice site are a relatively common cause of aberrant splicing (PMID: 17576681, 9536098). Algorithms developed to predict the effect of sequence changes on RNA splicing suggest that this variant is not likely to affect RNA splicing. In summary, the available evidence is currently insufficient to determine the role of this variant in disease. Therefore, it has been classified as a Variant of Uncertain Significance.

Literature cited by the submitters: PubMed 17576681 (cited by Labcorp Genetics (formerly Invitae), Labcorp); PubMed 9536098 (cited by Labcorp Genetics (formerly Invitae), Labcorp).

NM_001042492.3(NF1):c.2409G>A (p.Gln803=)

Gene: NF1 (neurofibromin 1; plus strand). Cytogenetic location: 17q11.2.
Variant type: single nucleotide variant.
Coding change: c.2409G>A on transcript NM_001042492.3 (MANE Select); coding-DNA position 2409, G replaced by A.
Protein change: p.Gln803=; no amino-acid change (glutamine 803 retained).
Molecular consequence: synonymous variant.
Genome position (GRCh38, 1-based): chr17:31,227,606, G>A. VCF-style: chr17-31227606-G-A. GRCh37 (hg19) VCF-style: chr17-29554624-G-A.
Other names: c.2409G>A, p.Gln803= (NM_000267.4).
Identifiers: ClinVar variation 2812749 (VCV002812749.4), dbSNP rs2151427632, ClinGen allele CA499226371.